The following is an entry in ClinVar:

ClinVar aggregate classification (germline): Uncertain significance. Review status: criteria provided, multiple submitters, no conflicts (2 of 4 stars). 5 submissions from 5 submitters: Uncertain significance (5). Last evaluated 2026-07-29.

Conditions:
Cardiovascular phenotype. Identifiers: MedGen CN230736.
TTN-related disorder. Also called: TTN-related condition; TTN-related disease; TTN-related disorders.
Autosomal recessive limb-girdle muscular dystrophy type 2J (LGMDR10). Also called: Limb-girdle muscular dystrophy, type 2J; MUSCULAR DYSTROPHY, LIMB-GIRDLE, AUTOSOMAL RECESSIVE 10. Identifiers: Orphanet 140922, MedGen C1837342, MONDO:0012127, OMIM 608807.
Dilated cardiomyopathy 1G (CMD1G). Identifiers: Orphanet 154, MedGen C1858763, MONDO:0011400, OMIM 604145.
Hypertrophic cardiomyopathy 9. Also called: Familial hypertrophic cardiomyopathy 9. Identifiers: MedGen C1861065, MONDO:0013412, OMIM 613765.
Myopathy, myofibrillar, 9, with early respiratory failure (MFM9). Also called: Hereditary myopathy with early respiratory failure; MYOPATHY, PROXIMAL, WITH EARLY RESPIRATORY MUSCLE INVOLVEMENT; EDSTROM MYOPATHY; Myopathy, distal, with early respiratory failure, autosomal dominant. Identifiers: Orphanet 178464, Orphanet 34521, MedGen C1863599, MONDO:0011362, OMIM 603689.
Tibial muscular dystrophy (TMD). Also called: Udd Distal Myopathy – Tibial Muscular Dystrophy; UDD MYOPATHY; Tibial muscular dystrophy, tardive. Identifiers: Orphanet 609, MedGen C1838244, MONDO:0010870, OMIM 600334.
Early-onset myopathy with fatal cardiomyopathy (CMYO5). Also called: Salih Myopathy; CONGENITAL MYOPATHY 5 WITH CARDIOMYOPATHY. Identifiers: Orphanet 289377, MedGen C2673677, MONDO:0012714, OMIM 611705. Disease mechanism: loss of function.

Allele frequency attached by ClinVar (database versions not stated): ExAC 0.00001; gnomAD exomes 0.00001 and 0.00005; TOPMed 0.00004; gnomAD 0.00005.
gnomAD v4.1: 84 of 1,614,076 alleles (0.0052%); highest among the groups gnomAD compares: African/African-American, 0.0067%; no homozygotes.

Submissions (5):

PreventionGenetics, part of Exact Sciences
Classification: Uncertain significance for TTN-related condition. Last evaluated: 2026-07-29. Review status: criteria provided, single submitter. Criteria: ACMG Guidelines, 2015. Collection method: clinical testing. Allele origin: germline.
Comment: The TTN c.8312T>C variant is predicted to result in the amino acid substitution p.Ile2771Thr. This variant has been reported in an individual with dilated cardiomyopathy (Table S3, Mazzarotto et al. 2020. PubMed ID: 31983221). This variant is reported in 0.0040% of alleles in individuals of African descent in gnomAD. At this time, the clinical significance of this variant is uncertain due to the absence of conclusive functional and genetic evidence.

Fulgent Genetics
Classification: Uncertain significance for Tibial muscular dystrophy; Myopathy, myofibrillar, 9, with early respiratory failure; Dilated cardiomyopathy 1G; Autosomal recessive limb-girdle muscular dystrophy type 2J; Early-onset myopathy with fatal cardiomyopathy; Hypertrophic cardiomyopathy 9. Last evaluated: 2022-02-21. Review status: criteria provided, single submitter. Criteria: ACMG Guidelines, 2015. Collection method: clinical testing. Allele origin: unknown.

Revvity Omics, Revvity
Classification: Uncertain significance. Last evaluated: 2020-03-26. Review status: criteria provided, single submitter. Criteria: ACMG Guidelines, 2015. Collection method: clinical testing. Allele origin: germline.

Ambry Genetics
Classification: Uncertain significance for Cardiovascular phenotype. Last evaluated: 2019-01-07. Review status: criteria provided, single submitter. Criteria: Ambry Variant Classification Scheme 2023. Collection method: clinical testing. Allele origin: germline.
Comment: The p.I2725T variant (also known as c.8174T>C), located in coding exon 33 of the TTN gene, results from a T to C substitution at nucleotide position 8174. The isoleucine at codon 2725 is replaced by threonine, an amino acid with similar properties. This amino acid position is poorly conserved in available vertebrate species, and threonine is the reference amino acid in other vertebrate species. In addition, this alteration is predicted to be tolerated by in silico analysis. Since supporting evidence is limited at this time, the clinical significance of this alteration remains unclear.

Labcorp Genetics (formerly Invitae), Labcorp
Classification: Uncertain significance for Dilated cardiomyopathy 1G; Autosomal recessive limb-girdle muscular dystrophy type 2J. Last evaluated: 2017-02-10. Review status: criteria provided, single submitter. Criteria: Invitae Variant Classification Sherloc (09022015). Collection method: clinical testing. Allele origin: germline.

NM_001267550.2(TTN):c.8312T>C (p.Ile2771Thr)

Gene: TTN (titin; minus strand). Cytogenetic location: 2q31.2.
Variant type: single nucleotide variant.
Coding change: c.8312T>C on transcript NM_001267550.2 (MANE Select); coding-DNA position 8312, T replaced by C.
Protein change: p.Ile2771Thr; replaces isoleucine 2771 with threonine.
Molecular consequence: missense variant.
Genome position (GRCh38, 1-based): chr2:178,770,480, A>G on the plus strand (T>C on the coding strand, the complement: TTN is on the minus strand). VCF-style: chr2-178770480-A-G. GRCh37 (hg19) VCF-style: chr2-179635207-A-G.
Other names: c.8312T>C, p.Ile2771Thr (NM_001256850.1, NM_133378.4, NM_133379.5); c.8174T>C, p.Ile2725Thr (NM_003319.4, NM_133432.3, NM_133437.4); short protein forms I2771T, I2725T.
Identifiers: ClinVar variation 467552 (VCV000467552.11), dbSNP rs780465670, ClinGen allele CA2004617.
Genomic context (GRCh38, chr2:178,770,480, plus strand): 5'-TGCAGTCTGGCACTGGCTCCAAGCCTTCCAAGCCTGAAGCCATAAACAGACTCATCCACG[A>G]TGGCACAGTTTTTAATCCTCAGAGAGTAAATTGTTCCTTTGACAGAGATAGCATACTTTT-3'
Protein context (NP_001254479.2, residues 2761-2781): IYSLRIKNCA[Ile2771Thr]VDESVYGFRL